The following is an entry in ClinVar:

ClinVar aggregate classification (germline): Benign/Likely benign. Review status: criteria provided, multiple submitters, no conflicts (2 of 4 stars). 9 submissions from 8 submitters: Benign (4); Likely benign (3). 2 of the submissions do not count toward it. Last evaluated 2026-02-01.

Conditions:
Spinocerebellar ataxia, autosomal recessive, with axonal neuropathy 2 (SCAN2). Also called: ATAXIA-OCULOMOTOR APRAXIA 2; Ataxia with Oculomotor Apraxia; Ataxia-ocular apraxia-2; Ataxia with Oculomotor Apraxia Type 2. Identifiers: Orphanet 64753, MedGen C1853761, MONDO:0018996, OMIM 606002.
Amyotrophic lateral sclerosis type 4 (ALS4). Also called: AMYOTROPHIC LATERAL SCLEROSIS 4, JUVENILE; NEURONOPATHY, DISTAL HEREDITARY MOTOR, WITH PYRAMIDAL FEATURES. Identifiers: Orphanet 357043, MedGen C1865409, MONDO:0011223, OMIM 602433.

Allele frequency attached by ClinVar (database versions not stated): gnomAD exomes 0.00054 and 0.00155; ExAC 0.00190; gnomAD 0.00586 and 0.00633; ESP Exome Variant Server 0.00630; TOPMed 0.00649; 1000 Genomes Project 0.00699; 1000 Genomes Project 30x 0.00828.
gnomAD v4.1: 1,693 of 1,614,130 alleles (0.1%); highest among the groups gnomAD compares: African/African-American, 2.1%; 16 homozygotes.

Submissions (9):

Labcorp Genetics (formerly Invitae), Labcorp
Classification: Benign for Amyotrophic lateral sclerosis type 4; Spinocerebellar ataxia, autosomal recessive, with axonal neuropathy 2. Last evaluated: 2026-02-01. Review status: criteria provided, single submitter. Criteria: Invitae Variant Classification Sherloc (09022015). Collection method: clinical testing. Allele origin: germline.

Mayo Clinic Laboratories, Mayo Clinic
Classification: Benign. Last evaluated: 2024-12-10. Review status: criteria provided, single submitter. Criteria: ACMG Guidelines, 2015. Collection method: clinical testing. Allele origin: germline. Observed: 7 variant alleles.
Comment: BA1, BP4, BP7

Genome-Nilou Lab
Classification: Likely benign for Spinocerebellar ataxia, autosomal recessive, with axonal neuropathy 2. Last evaluated: 2023-02-08. Review status: criteria provided, single submitter. Criteria: ACMG Guidelines, 2015. Collection method: clinical testing. Allele origin: germline.

Genome-Nilou Lab
Classification: Likely benign for Amyotrophic lateral sclerosis type 4. Last evaluated: 2023-02-08. Review status: criteria provided, single submitter. Criteria: ACMG Guidelines, 2015. Collection method: clinical testing. Allele origin: germline.

Athena Diagnostics
Classification: Benign. Last evaluated: 2021-06-01. Review status: criteria provided, single submitter. Criteria: Athena Diagnostics criteria. Collection method: clinical testing. Allele origin: unknown.

GeneDx
Classification: Likely benign. Last evaluated: 2021-03-30. Review status: criteria provided, single submitter. Criteria: GeneDx Variant Classification Process June 2021. Collection method: clinical testing. Allele origin: germline. Affected: yes.

ARUP Laboratories, Molecular Genetics and Genomics, ARUP Laboratories
Classification: Benign. Last evaluated: 2020-03-13. Review status: criteria provided, single submitter. Criteria: ARUP Molecular Germline Variant Investigation Process. Collection method: clinical testing. Allele origin: germline.

Clinical Genetics, Academic Medical Center
Classification: Benign. Review status: no assertion criteria provided. Collection method: clinical testing. Allele origin: germline. Affected: yes. Study: VKGL Data-share Consensus. Not counted in ClinVar's aggregate classification.

Joint Genome Diagnostic Labs from Nijmegen and Maastricht, Radboudumc and MUMC+
Classification: Benign. Review status: no assertion criteria provided. Collection method: clinical testing. Allele origin: germline. Affected: yes. Study: VKGL Data-share Consensus. Not counted in ClinVar's aggregate classification.

NM_015046.7(SETX):c.7905C>T (p.Ala2635=)

Gene: SETX (senataxin; minus strand). Cytogenetic location: 9q34.13.
Variant type: single nucleotide variant.
Coding change: c.7905C>T on transcript NM_015046.7 (MANE Select); coding-DNA position 7905, C replaced by T.
Protein change: p.Ala2635=; no amino-acid change (alanine 2635 retained).
Molecular consequence: synonymous variant.
Genome position (GRCh38, 1-based): chr9:132,264,368, G>A on the plus strand (C>T on the coding strand, the complement: SETX is on the minus strand). VCF-style: chr9-132264368-G-A. GRCh37 (hg19) VCF-style: chr9-135139755-G-A.
Other names: p.Ala2635=; c.7905C>T, p.Ala2635= (NM_001351527.2); c.7992C>T, p.Ala2664= (NM_001351528.2).
Identifiers: ClinVar variation 468528 (VCV000468528.65), dbSNP rs112201716, ClinGen allele CA5296292.